The following is an entry in ClinVar:

ClinVar aggregate classification (germline): Uncertain significance (1 of 4 stars; one submission).

Conditions:
Dilated cardiomyopathy 1G (CMD1G). Identifiers: Orphanet 154, MedGen C1858763, MONDO:0011400, OMIM 604145.
Autosomal recessive limb-girdle muscular dystrophy type 2J (LGMDR10). Also called: Limb-girdle muscular dystrophy, type 2J; MUSCULAR DYSTROPHY, LIMB-GIRDLE, AUTOSOMAL RECESSIVE 10. Identifiers: Orphanet 140922, MedGen C1837342, MONDO:0012127, OMIM 608807.

Allele frequency attached by ClinVar (database versions not stated): gnomAD 0.00001.

Submission:

Labcorp Genetics (formerly Invitae), Labcorp
Classification: Uncertain significance for Dilated cardiomyopathy 1G; Autosomal recessive limb-girdle muscular dystrophy type 2J. Last evaluated: 2019-02-25. Review status: criteria provided, single submitter. Criteria: Invitae Variant Classification Sherloc (09022015). Collection method: clinical testing. Allele origin: germline.
Comment: In summary, the available evidence is currently insufficient to determine the role of this variant in disease. Therefore, it has been classified as a Variant of Uncertain Significance. This variant is located in the I band of TTN (PMID: 25589632). Truncating variants in this region have been shown to be highly prevalent in the general population and unaffected individuals (PMID: 26701604, 22335739). However, truncating variants in this region have also been reported in individuals affected with autosomal recessive centronuclear myopathy (PMID: 23975875). This variant has not been reported in the literature in individuals with TTN-related conditions. This variant is not present in population databases (ExAC no frequency). This sequence change results in a premature translational stop signal in the TTN gene (p.Glu12776*). While this is not anticipated to result in nonsense mediated decay, it is expected to create a truncated TTN protein.

Literature cited by the submitters: PubMed 25589632; PubMed 26701604; PubMed 22335739; PubMed 23975875.

NM_001267550.2(TTN):c.38326G>T (p.Glu12776Ter)

Gene: TTN (titin; minus strand). Cytogenetic location: 2q31.2.
Variant type: single nucleotide variant.
Coding change: c.38326G>T on transcript NM_001267550.2 (MANE Select); coding-DNA position 38326, G replaced by T.
Protein change: p.Glu12776Ter; replaces glutamic acid 12776 with a stop codon.
Molecular consequence: nonsense. On other transcripts: intron variant (5).
Genome position (GRCh38, 1-based): chr2:178,654,262, C>A on the plus strand (G>T on the coding strand, the complement: TTN is on the minus strand). VCF-style: chr2-178654262-C-A. GRCh37 (hg19) VCF-style: chr2-179518989-C-A.
Other names: c.13283-11945G>T (NM_003319.4); c.13859-11945G>T (NM_133437.4); c.13658-11945G>T (NM_133432.3); c.31742-1721G>T (NM_133378.4); c.34523-1721G>T (NM_001256850.1); short protein forms E12776*.
Identifiers: ClinVar variation 847982 (VCV000847982.10), dbSNP rs2063658613, ClinGen allele CA349474086.